The following is an entry in ClinVar:

ClinVar aggregate classification (germline): Uncertain significance (1 of 4 stars; one submission).

Conditions:
Hyperkalemic periodic paralysis. Also called: Gamstorp disease; Familial hyperkalemic periodic paralysis. Identifiers: Orphanet 682, MedGen C0238357, MONDO:0008224, OMIM 170500, HP:0007215.

Allele frequency attached by ClinVar (database versions not stated): TOPMed 0.00001.

Submission:

Labcorp Genetics (formerly Invitae), Labcorp
Classification: Uncertain significance for Hyperkalemic periodic paralysis. Last evaluated: 2025-05-27. Review status: criteria provided, single submitter. Criteria: Invitae Variant Classification Sherloc (09022015). Collection method: clinical testing. Allele origin: germline.
Comment: This sequence change replaces arginine, which is basic and polar, with proline, which is neutral and non-polar, at codon 1062 of the SCN4A protein (p.Arg1062Pro). This variant is not present in population databases (gnomAD no frequency). This variant has not been reported in the literature in individuals affected with SCN4A-related conditions. ClinVar contains an entry for this variant (Variation ID: 543803). Invitae Evidence Modeling of protein sequence and biophysical properties (such as structural, functional, and spatial information, amino acid conservation, physicochemical variation, residue mobility, and thermodynamic stability) has been performed for this missense variant. However, the output from this modeling did not meet the statistical confidence thresholds required to predict the impact of this variant on SCN4A protein function. In summary, the available evidence is currently insufficient to determine the role of this variant in disease. Therefore, it has been classified as a Variant of Uncertain Significance.

NM_000334.4(SCN4A):c.3185G>C (p.Arg1062Pro)

Genes: GH-LCR (growth hormone locus control region; plus strand), SCN4A (sodium voltage-gated channel alpha subunit 4; minus strand). Cytogenetic location: 17q23.3.
Variant type: single nucleotide variant.
Coding change: c.3185G>C on transcript NM_000334.4 (MANE Select); coding-DNA position 3185, G replaced by C.
Protein change: p.Arg1062Pro; replaces arginine 1062 with proline.
Molecular consequence: missense variant.
Genome position (GRCh38, 1-based): chr17:63,948,023, C>G on the plus strand (G>C on the coding strand, the complement: SCN4A is on the minus strand). VCF-style: chr17-63948023-C-G. GRCh37 (hg19) VCF-style: chr17-62025383-C-G.
Other names: short protein forms R1062P.
Identifiers: ClinVar variation 543803 (VCV000543803.9), dbSNP rs769704334, ClinGen allele CA400621310.